The following is an entry in ClinVar:

NM_000088.4(COL1A1):c.1463G>A (p.Gly488Asp)

Gene: COL1A1 (collagen type I alpha 1 chain; minus strand). Cytogenetic location: 17q21.33.
Variant type: single nucleotide variant.
Coding change: c.1463G>A on transcript NM_000088.4 (MANE Select); coding-DNA position 1463, G replaced by A.
Protein change: p.Gly488Asp; replaces glycine 488 with aspartic acid.
Molecular consequence: missense variant.
Genome position (GRCh38, 1-based): chr17:50,194,625, C>T on the plus strand (G>A on the coding strand, the complement: COL1A1 is on the minus strand). VCF-style: chr17-50194625-C-T. GRCh37 (hg19) VCF-style: chr17-48271986-C-T.
Other names: short protein forms G488D.
Identifiers: ClinVar variation 4994232 (VCV004994232.1).
Genomic context (GRCh38, chr17:50,194,625, plus strand): 5'-GAGGTTACCTTGGGACCAGCAACACCATCTGCGCCAGGGAAACCACGGCTACCAGGTCCA[C>T]CCTGCAGGAGGAGAGGAGGCCAGTGAACTCCGCGACACACAGGCACCAGCCAGGCAATGA-3'
Protein context (NP_000079.2, residues 478-498): TGLPGPPGER[Gly488Asp]GPGSRGFPGA

ClinVar aggregate classification (germline): Likely pathogenic (1 of 4 stars; one submission).

Conditions:
COL1A1-related disorder. Also called: COL1A1-related condition; COL1A1- related disease.

Submission:

PreventionGenetics, part of Exact Sciences
Classification: Likely pathogenic for COL1A1-related condition. Last evaluated: 2026-05-11. Review status: criteria provided, single submitter. Criteria: ACMG Guidelines, 2015. Collection method: clinical testing. Allele origin: germline.
Comment: The COL1A1 c.1463G>A variant is predicted to result in the amino acid substitution p.Gly488Asp. To our knowledge, this variant has not been reported in the literature or in a large population database (gnomAD), indicating this variant is rare. This variant is located in the conserved Gly-Xaa-Yaa triple helical domain where substitutions of a glycine are usually pathogenic (Residues 179-1192; Legacy nomenclature in Marini et al. 2007. PubMed ID: 17078022 indicates amino acids 1-1012; Symoens. 2014. PubMed ID: 25146735). Alternate missense variants at the same amino acid position (p.Gly488Ala; p.Gly488Val) have been reported in individuals affected with osteogenesis imperfecta or dentinogenesis imperfecta (Zeng et al. 2021. PubMed ID: 34249109; Holtz et al. 2023. PubMed ID: 36709916). The c.1463G>A variant is interpreted as likely pathogenic.